The following is an entry in ClinVar:

NM_005629.4(SLC6A8):c.257G>A (p.Gly86Asp)

Gene: SLC6A8 (solute carrier family 6 member 8; plus strand). Cytogenetic location: Xq28.
Variant type: single nucleotide variant.
Coding change: c.257G>A on transcript NM_005629.4 (MANE Select); coding-DNA position 257, G replaced by A.
Protein change: p.Gly86Asp; replaces glycine 86 with aspartic acid.
Molecular consequence: missense variant.
Genome position (GRCh38, 1-based): chrX:153,688,831, G>A. VCF-style: chrX-153688831-G-A. GRCh37 (hg19) VCF-style: chrX-152954286-G-A.
Other names: c.257G>A, p.Gly86Asp (NM_001142805.2); short protein forms G86D.
Identifiers: ClinVar variation 3255063 (VCV003255063.2), dbSNP rs2522145985.

ClinVar aggregate classification (germline): Likely pathogenic (1 of 4 stars; one submission).

Conditions:
Creatine transporter deficiency (CCDS1). Also called: CEREBRAL CREATINE DEFICIENCY SYNDROME 1; Mental retardation , X-linked with seizures, short stature and midface hypoplasia; Mental retardation , X-linked, with creatine transport deficiency; X-linked creatine transporter deficiency; X-linked creatine deficiency syndrome; SLC6A8-Related Creatine Transporter Deficiency. Identifiers: Orphanet 52503, MedGen C1845862, MONDO:0010305, OMIM 300352.

Submission:

Victorian Clinical Genetics Services, Murdoch Childrens Research Institute
Classification: Likely pathogenic for Creatine transporter deficiency. Last evaluated: 2024-10-09. Review status: criteria provided, single submitter. Criteria: ACMG Guidelines, 2015. Collection method: clinical testing. Allele origin: germline. Inheritance: X-linked inheritance. Affected: yes.
Comment: Based on the classification scheme VCGS_Germline_v1.3.4, this variant is classified as Likely pathogenic. Following criteria are met: 0102 - Loss of function is a known mechanism of disease in this gene and is associated with cerebral creatine deficiency syndrome 1 (MIM#300352). (I) 0109 - This gene is associated with X-linked disease. Heterozygous females are typically either asymptomatic or have mild intellectual disability (PMIDs: 11898126, 11326334, 20301745). No correlation has been found between skewed X-chromosome inactivation in favour of the pathogenic variant and severity of clinical phenotype (PMID: 20301745). (I) 0200 - Variant is predicted to result in a missense amino acid change from glycine to aspartic acid. (I) 0251 - This variant is heterozygous. (I) 0301 - Variant is absent from gnomAD (both v2 and v3). (SP) 0501 - Missense variant consistently predicted to be damaging by multiple in silico tools or highly conserved with a major amino acid change. (SP) 0603 - Missense variant in a region that is highly intolerant to missense variation (high constraint region in DECIPHER). (SP) 0705 - No comparable missense variants have previous evidence for pathogenicity. (I) 0807 - This variant has no previous evidence of pathogenicity. (I) 0905 - No published segregation evidence has been identified for this variant. (I) 1007 - No published functional evidence has been identified for this variant. (SP) Legend: (SP) - Supporting pathogenic, (I) - Information, (SB) - Supporting benign

Literature cited by the submitters: PubMed 11326334; PubMed 11898126; PubMed 20301745.